The following is an entry in ClinVar:

ClinVar aggregate classification (germline): Uncertain significance (1 of 4 stars; one submission).

Submission:

Ambry Genetics
Classification: Uncertain significance. Last evaluated: 2026-03-23. Review status: criteria provided, single submitter. Criteria: Ambry Variant Classification Scheme 2023. Collection method: clinical testing. Allele origin: germline.
Comment: The p.T365K variant (also known as c.1094C>A), located in coding exon 9 of the FAM175A gene, results from a C to A substitution at nucleotide position 1094. The threonine at codon 365 is replaced by lysine, an amino acid with similar properties. This amino acid position is conserved. In addition, this alteration is predicted to be tolerated by in silico analysis. Based on the available evidence, the clinical significance of this variant remains unclear.

NM_139076.3(ABRAXAS1):c.1094C>A (p.Thr365Lys)

Gene: ABRAXAS1 (abraxas 1, BRCA1 A complex subunit; minus strand). Cytogenetic location: 4q21.23.
Variant type: single nucleotide variant.
Coding change: c.1094C>A on transcript NM_139076.3 (MANE Select); coding-DNA position 1094, C replaced by A.
Protein change: p.Thr365Lys; replaces threonine 365 with lysine.
Molecular consequence: missense variant.
Genome position (GRCh38, 1-based): chr4:83,462,605, G>T on the plus strand (C>A on the coding strand, the complement: ABRAXAS1 is on the minus strand). VCF-style: chr4-83462605-G-T. GRCh37 (hg19) VCF-style: chr4-84383758-G-T.
Other names: c.767C>A, p.Thr256Lys (NM_001345962.2); short protein forms T256K, T365K.
Identifiers: ClinVar variation 4864504 (VCV004864504.1).